The following is an entry in ClinVar:

ClinVar aggregate classification (germline): Uncertain significance (1 of 4 stars; one submission).

Conditions:
Hereditary cancer-predisposing syndrome. Also called: Hereditary Cancer Syndrome; Hereditary neoplastic syndrome; Tumor predisposition; Neoplastic Syndromes, Hereditary. Identifiers: Orphanet 140162, MedGen C0027672, MeSH D009386, MONDO:0015356.
Cardiovascular phenotype. Identifiers: MedGen CN230736.

Submission:

Ambry Genetics
Classification: Uncertain significance for Cardiovascular phenotype; Hereditary cancer-predisposing syndrome. Last evaluated: 2021-10-19. Review status: criteria provided, single submitter. Criteria: Ambry Variant Classification Scheme 2023. Collection method: clinical testing. Allele origin: germline.
Comment: The p.R790G variant (also known as c.2368C>G), located in coding exon 20 of the LZTR1 gene, results from a C to G substitution at nucleotide position 2368. The arginine at codon 790 is replaced by glycine, an amino acid with dissimilar properties. This amino acid position is well conserved in available vertebrate species. In addition, this alteration is predicted to be tolerated by in silico analysis. Since supporting evidence is limited at this time, the clinical significance of this alteration remains unclear.

NM_006767.4(LZTR1):c.2368C>G (p.Arg790Gly)

Gene: LZTR1 (leucine zipper like post translational regulator 1; plus strand). Cytogenetic location: 22q11.21.
Variant type: single nucleotide variant.
Coding change: c.2368C>G on transcript NM_006767.4 (MANE Select); coding-DNA position 2368, C replaced by G.
Protein change: p.Arg790Gly; replaces arginine 790 with glycine.
Molecular consequence: missense variant.
Genome position (GRCh38, 1-based): chr22:20,996,928, C>G. VCF-style: chr22-20996928-C-G. GRCh37 (hg19) VCF-style: chr22-21351217-C-G.
Other names: short protein forms R790G.
Identifiers: ClinVar variation 1790244 (VCV001790244.2), dbSNP rs767637944, ClinGen allele CA410781067.